The following is an entry in ClinVar:

Conditions:
Breast-ovarian cancer, familial, susceptibility to, 1 (BROVCA1). Also called: BRCA1 Hereditary Breast and Ovarian Cancer; OVARIAN CANCER, SUSCEPTIBILITY TO. Identifiers: Orphanet 145, MedGen C2676676, MONDO:0011450, OMIM 604370. Disease mechanism: loss of function.

Submission:

Brotman Baty Institute, University of Washington
No classification provided (evidence only). Condition: Breast-ovarian cancer, familial 1. Review status: no classification provided. Collection method: in vitro. Allele origin: not applicable. Functional consequence: functionally_normal.
ClinVar note: "not provided" was previously submitted as the classification for the variant. However, the classification appeared to be based only on an observation of functional data so it was converted to no classification on 2025-07-30.

NM_007294.4(BRCA1):c.5406+11G>A

Gene: BRCA1 (BRCA1 DNA repair associated; minus strand). Cytogenetic location: 17q21.31.
Variant type: single nucleotide variant.
Coding change: c.5406+11G>A on transcript NM_007294.4 (MANE Select); 11 bases into the intron after coding-DNA position 5406, G replaced by A.
Molecular consequence: intron variant.
Genome position (GRCh38, 1-based): chr17:43,049,110, C>T on the plus strand (G>A on the coding strand, the complement: BRCA1 is on the minus strand). VCF-style: chr17-43049110-C-T. GRCh37 (hg19) VCF-style: chr17-41201127-C-T.
Other names: c.1953+11G>A (NM_001408458.1, NM_001408461.1, NM_001408464.1 and 7 more transcripts); c.4515+11G>A (NM_001407967.1); c.5025+11G>A (NM_001407959.1); c.5139+11G>A (NM_001407931.1, NM_001407932.1, NM_001407928.1 and 4 more transcripts); c.5262+11G>A (NM_001407747.1, NM_001407745.1, NM_001407737.1 and 18 more transcripts); c.5022+11G>A (NM_001407962.1, NM_001407960.1); c.1593+11G>A (NM_001408512.1); c.1716+11G>A (NM_001408510.1); and 84 more.
Identifiers: ClinVar variation 868062 (VCV000868062.3), dbSNP rs892136580, ClinGen allele CA290818063.